The following is an entry in ClinVar:

NM_004239.4(TRIP11):c.*288C>A

Gene: TRIP11 (thyroid hormone receptor interactor 11; minus strand). Cytogenetic location: 14q32.12.
Variant type: single nucleotide variant.
Coding change: c.*288C>A on transcript NM_004239.4 (MANE Select); 288 bases downstream of the stop codon, C replaced by A.
Molecular consequence: 3 prime UTR variant.
Genome position (GRCh38, 1-based): chr14:91,969,385, G>T on the plus strand (C>A on the coding strand, the complement: TRIP11 is on the minus strand). VCF-style: chr14-91969385-G-T. GRCh37 (hg19) VCF-style: chr14-92435729-G-T.
Other names: c.*288C>A (NM_001321851.1).
Identifiers: ClinVar variation 887376 (VCV000887376.6), dbSNP rs61988386, ClinGen allele CA265632607.

ClinVar aggregate classification (germline): Likely benign. Review status: criteria provided, multiple submitters, no conflicts (2 of 4 stars). 2 submissions from 2 submitters: Likely benign (2). Last evaluated 2018-12-17.

Conditions:
Achondrogenesis, type IA (ACG1A). Identifiers: Orphanet 932, Orphanet 93299, MedGen C0265273, MONDO:0008701, OMIM 200600.

Allele frequency attached by ClinVar (database versions not stated): 1000 Genomes Project 30x 0.00375; 1000 Genomes Project 0.00379; TOPMed 0.00774; gnomAD 0.01011 and 0.01041; gnomAD exomes 0.01035.
gnomAD v4.1: 4,354 of 426,600 alleles (1%); highest among the groups gnomAD compares: Non-Finnish European, 1.3%; 41 homozygotes.

Submissions (2):

GeneDx
Classification: Likely benign. Last evaluated: 2018-12-17. Review status: criteria provided, single submitter. Criteria: GeneDx Variant Classification Process June 2021. Collection method: clinical testing. Allele origin: germline. Affected: yes.

Illumina Laboratory Services, Illumina
Classification: Likely benign for Achondrogenesis, type IA. Last evaluated: 2018-01-13. Review status: criteria provided, single submitter. Criteria: ICSL Variant Classification Criteria 13 December 2019. Collection method: clinical testing. Allele origin: germline.
Comment: This variant was observed in the ICSL laboratory as part of a predisposition screen in an ostensibly healthy population. It had not been previously curated by ICSL or reported in the Human Gene Mutation Database (HGMD: prior to June 1st, 2018), and was therefore a candidate for classification through an automated scoring system. Utilizing variant allele frequency, disease prevalence and penetrance estimates, and inheritance mode, an automated score was calculated to assess if this variant is too frequent to cause the disease. Based on the score and internal cut-off values, a variant classified as likely benign is not then subjected to further curation. The score for this variant resulted in a classification of likely benign for this disease.